The following is an entry in ClinVar:

ClinVar aggregate classification (germline): Pathogenic (1 of 4 stars; one submission).

Conditions:
Severe X-linked myotubular myopathy (CNMX). Also called: MYOTUBULAR MYOPATHY 1; X-linked centronuclear myopathy; Myotubular myopathy, X-linked. Identifiers: Orphanet 596, MedGen C0410203, MONDO:0010683, OMIM 310400.

Submission:

Victorian Clinical Genetics Services, Murdoch Childrens Research Institute
Classification: Pathogenic for Severe X-linked myotubular myopathy. Last evaluated: 2026-02-09. Review status: criteria provided, single submitter. Criteria: ACMG Guidelines, 2015. Collection method: clinical testing. Allele origin: germline. Affected: no.
Comment: This variant is classified as Pathogenic. Evidence in support of pathogenic classification: Variant is predicted to cause nonsense-mediated decay (NMD) and loss of protein (premature termination codon is located at least 54 nucleotides upstream of the final exon-exon junction); Variant is absent from gnomAD (both v2 and v3); Other NMD-predicted variants comparable to the one identified in this case have very strong previous evidence for pathogenicity (DECIPHER). Additional information: This variant is heterozygous; This gene is associated with X-linked recessive disease; This variant has no previous evidence of pathogenicity; No published segregation evidence has been identified for this variant; No published functional evidence has been identified for this variant; Loss of function is a known mechanism of disease in this gene and is associated with X-linked centronuclear myopathy (MIM#310400); Variants in this gene are known to have variable expressivity. Severity in female carriers ranges from severe neonatal and generalized weakness, similar to XLMTM male, to milder adult forms, and showed the occurrence of skewed X-inactivation (PMID: 28685322).

Literature cited by the submitters: PubMed 28685322.

NM_000252.3(MTM1):c.1371del (p.Glu457fs)

Gene: MTM1 (myotubularin 1; plus strand). Cytogenetic location: Xq28.
Variant type: Deletion.
Coding change: c.1371del on transcript NM_000252.3 (MANE Select); coding-DNA position 1371, one base deleted (A; older notation c.1371delA).
Protein change: p.Glu457fs; shifts the reading frame from glutamic acid 457.
Molecular consequence: frameshift variant.
Genome position (GRCh38, 1-based): chrX:150,660,388, A deleted; the last of 2 consecutive A bases (chrX:150,660,387-150,660,388); deleting either gives the same sequence. VCF-style (leftmost placement, unchanged base first): chrX-150660386-GA-G. GRCh37 (hg19) VCF-style: chrX-149828859-GA-G.
Other names: c.1371del, p.Glu457fs (NM_001376906.1, NM_001376908.1); c.1260del, p.Glu420fs (NM_001376907.1); short protein forms E420fs, E457fs.
Identifiers: ClinVar variation 3255018 (VCV003255018.2), dbSNP rs2522446951.